The following is an entry in ClinVar:

NM_001369.3(DNAH5):c.11974G>C (p.Asp3992His)

Gene: DNAH5 (dynein axonemal heavy chain 5; minus strand). Cytogenetic location: 5p15.2.
Variant type: single nucleotide variant.
Coding change: c.11974G>C on transcript NM_001369.3 (MANE Select); coding-DNA position 11974, G replaced by C.
Protein change: p.Asp3992His; replaces aspartic acid 3992 with histidine.
Molecular consequence: missense variant.
Genome position (GRCh38, 1-based): chr5:13,727,566, C>G on the plus strand (G>C on the coding strand, the complement: DNAH5 is on the minus strand). VCF-style: chr5-13727566-C-G. GRCh37 (hg19) VCF-style: chr5-13727675-C-G.
Other names: short protein forms D3992H.
Identifiers: ClinVar variation 228607 (VCV000228607.24), dbSNP rs143251480, ClinGen allele CA3201780.

ClinVar aggregate classification (germline): Conflicting classifications of pathogenicity. Review status: criteria provided, conflicting classifications (1 of 4 stars). 7 submissions from 7 submitters: Uncertain significance (4); Likely benign (1). 2 of the submissions do not count toward it. Last evaluated 2026-01-28.

Conditions:
Primary ciliary dyskinesia 3. Identifiers: Orphanet 244, MedGen C1837618, MONDO:0012085, OMIM 608644.
Primary ciliary dyskinesia. Also called: Ciliary dyskinesia. Identifiers: Orphanet 244, MedGen C0008780, MONDO:0016575, HP:0012265.

Allele frequency attached by ClinVar (database versions not stated): ESP Exome Variant Server 0.00008; ExAC 0.00017; gnomAD 0.00018 and 0.00019; TOPMed 0.00021.
gnomAD v4.1: 258 of 1,613,898 alleles (0.016%); highest among the groups gnomAD compares: Middle Eastern, 0.066%; no homozygotes.

Submissions (7):

Labcorp Genetics (formerly Invitae), Labcorp
Classification: Likely benign for Primary ciliary dyskinesia. Last evaluated: 2026-01-28. Review status: criteria provided, single submitter. Criteria: Invitae Variant Classification Sherloc (09022015). Collection method: clinical testing. Allele origin: germline.

Blueprint Genetics
Classification: Uncertain significance. Last evaluated: 2024-06-13. Review status: criteria provided, single submitter. Criteria: ACMG Guidelines, 2015. Collection method: clinical testing. Allele origin: germline.

Illumina Laboratory Services, Illumina
Classification: Uncertain significance for Primary ciliary dyskinesia 3. Last evaluated: 2018-01-12. Review status: criteria provided, single submitter. Criteria: ICSL Variant Classification Criteria 13 December 2019. Collection method: clinical testing. Allele origin: germline.

Ambry Genetics
Classification: Uncertain significance for Primary ciliary dyskinesia. Last evaluated: 2017-02-10. Review status: criteria provided, single submitter. Criteria: Ambry Variant Classification Scheme 2023. Collection method: clinical testing. Allele origin: germline.
Comment: The p.D3992H variant (also known as c.11974G>C), located in coding exon 70 of the DNAH5 gene, results from a G to C substitution at nucleotide position 11974. The aspartic acid at codon 3992 is replaced by histidine, an amino acid with similar properties. This amino acid position is highly conserved in available vertebrate species. In addition, the in silico prediction for this alteration is inconclusive. Since supporting evidence is limited at this time, the clinical significance of this alteration remains unclear.

Laboratory for Molecular Medicine, Mass General Brigham Personalized Medicine
Classification: Uncertain significance. Last evaluated: 2015-09-02. Review status: criteria provided, single submitter. Criteria: LMM Criteria. Collection method: clinical testing. Allele origin: germline. Observed: 1 variant allele.
Comment: The p.Asp3992His variant in DNAH5 has not been previously reported in individual s with pulmonary disease but has been identified in 13/66664 European chromosome s by the Exome Aggregation Consortium (ExAC; rs1 43251480). Computational prediction tools and conservation analysis suggest that this variant may impact the protein, though this information is not predictive enough to determine pathogenicity. In summary, the clinical significance of the p.Asp3992His variant is uncertain.

Natera, Inc.
Classification: Uncertain significance for Primary ciliary dyskinesia. Last evaluated: 2020-01-17. Review status: no assertion criteria provided. Collection method: clinical testing. Allele origin: germline. Not counted in ClinVar's aggregate classification.

Counsyl
Classification: Uncertain significance for Primary ciliary dyskinesia 3. Last evaluated: 2017-05-08. Review status: no assertion criteria provided. Collection method: clinical testing. Allele origin: unknown. Not counted in ClinVar's aggregate classification.